The following is an entry in ClinVar:

ClinVar aggregate classification (germline): Uncertain significance. Review status: criteria provided, multiple submitters, no conflicts (2 of 4 stars). 2 submissions from 2 submitters: Uncertain significance (2). Last evaluated 2025-10-29.

Conditions:
Baller-Gerold syndrome (BGS). Also called: CRANIOSYNOSTOSIS WITH RADIAL DEFECTS. Identifiers: Orphanet 1225, MedGen C0265308, MONDO:0009039, OMIM 218600.
Inborn genetic diseases. Identifiers: MedGen C0950123, MeSH D030342.

Allele frequency attached by ClinVar (database versions not stated): gnomAD 0.00001 and 0.00002; ExAC 0.00002; 1000 Genomes Project 30x 0.00016; 1000 Genomes Project 0.00020.
gnomAD v4.1: 10 of 1,608,374 alleles (0.00062%); highest among the groups gnomAD compares: East Asian, 0.022%; no homozygotes.

Submissions (2):

Labcorp Genetics (formerly Invitae), Labcorp
Classification: Uncertain significance for Baller-Gerold syndrome. Last evaluated: 2025-10-29. Review status: criteria provided, single submitter. Criteria: Invitae Variant Classification Sherloc (09022015). Collection method: clinical testing. Allele origin: germline.
Comment: This sequence change replaces leucine, which is neutral and non-polar, with valine, which is neutral and non-polar, at codon 724 of the RECQL4 protein (p.Leu724Val). This variant is present in population databases (rs536831548, gnomAD 0.02%). This variant has not been reported in the literature in individuals affected with RECQL4-related conditions. ClinVar contains an entry for this variant (Variation ID: 849787). Invitae Evidence Modeling of protein sequence and biophysical properties (such as structural, functional, and spatial information, amino acid conservation, physicochemical variation, residue mobility, and thermodynamic stability) indicates that this missense variant is expected to disrupt RECQL4 protein function with a positive predictive value of 80%. In summary, the available evidence is currently insufficient to determine the role of this variant in disease. Therefore, it has been classified as a Variant of Uncertain Significance.

Ambry Genetics
Classification: Uncertain significance for Inborn genetic diseases. Last evaluated: 2025-01-13. Review status: criteria provided, single submitter. Criteria: Ambry Variant Classification Scheme 2023. Collection method: clinical testing. Allele origin: germline.
Comment: The p.L724V variant (also known as c.2170C>G), located in coding exon 13 of the RECQL4 gene, results from a C to G substitution at nucleotide position 2170. The leucine at codon 724 is replaced by valine, an amino acid with highly similar properties. This amino acid position is conserved. In addition, the in silico prediction for this alteration is inconclusive. Based on the available evidence, the clinical significance of this variant remains unclear.

NM_004260.4(RECQL4):c.2170C>G (p.Leu724Val)

Gene: RECQL4 (RecQ like helicase 4; minus strand). Cytogenetic location: 8q24.3.
Variant type: single nucleotide variant.
Coding change: c.2170C>G on transcript NM_004260.4 (MANE Select); coding-DNA position 2170, C replaced by G.
Protein change: p.Leu724Val; replaces leucine 724 with valine.
Molecular consequence: missense variant.
Genome position (GRCh38, 1-based): chr8:144,513,601, G>C on the plus strand (C>G on the coding strand, the complement: RECQL4 is on the minus strand). VCF-style: chr8-144513601-G-C. GRCh37 (hg19) VCF-style: chr8-145738985-G-C.
Other names: short protein forms L724V.
Identifiers: ClinVar variation 849787 (VCV000849787.6), dbSNP rs536831548, ClinGen allele CA4948434.
Genomic context (GRCh38, chr8:144,513,601, plus strand): 5'-ACGGGGACACCAGCTCTGTCCATGCCGCACCTCCAGACCCTGGGACCCAGGCTGCGTGCA[G>C]GCAGGTTCGGAGGAGCGCAGCGATCCGCTCTGTGTCCTCGCGCCGGTTGCAGTAAATGAT-3'
Protein context (NP_004251.4, residues 714-734): ERIAALLRTC[Leu724Val]HAAWVPGSGG